The following is an entry in ClinVar:

NM_001267550.2(TTN):c.89629G>T (p.Glu29877Ter)

Genes: TTN-AS1 (TTN antisense RNA 1; plus strand), TTN (titin; minus strand). Cytogenetic location: 2q31.2.
Variant type: single nucleotide variant.
Coding change: c.89629G>T on transcript NM_001267550.2 (MANE Select); coding-DNA position 89629, G replaced by T.
Protein change: p.Glu29877Ter; replaces glutamic acid 29877 with a stop codon.
Molecular consequence: nonsense.
Genome position (GRCh38, 1-based): chr2:178,553,271, C>A on the plus strand (G>T on the coding strand, the complement: TTN is on the minus strand). VCF-style: chr2-178553271-C-A. GRCh37 (hg19) VCF-style: chr2-179417998-C-A.
Other names: c.84706G>T, p.Glu28236Ter (NM_001256850.1); c.62434G>T, p.Glu20812Ter (NM_003319.4); c.81925G>T, p.Glu27309Ter (NM_133378.4); c.62809G>T, p.Glu20937Ter (NM_133432.3); c.63010G>T, p.Glu21004Ter (NM_133437.4); short protein forms E27309*, E29877*, E20812*, E20937*, E28236*, E21004*.
Identifiers: ClinVar variation 4784264 (VCV004784264.1).

ClinVar aggregate classification (germline): Likely pathogenic (1 of 4 stars; one submission).

Conditions:
Dilated cardiomyopathy 1G (CMD1G). Identifiers: Orphanet 154, MedGen C1858763, MONDO:0011400, OMIM 604145.
Autosomal recessive limb-girdle muscular dystrophy type 2J (LGMDR10). Also called: Limb-girdle muscular dystrophy, type 2J; MUSCULAR DYSTROPHY, LIMB-GIRDLE, AUTOSOMAL RECESSIVE 10. Identifiers: Orphanet 140922, MedGen C1837342, MONDO:0012127, OMIM 608807.

Submission:

Labcorp Genetics (formerly Invitae), Labcorp
Classification: Likely pathogenic for Dilated cardiomyopathy 1G; Autosomal recessive limb-girdle muscular dystrophy type 2J. Last evaluated: 2025-02-23. Review status: criteria provided, single submitter. Criteria: Invitae Variant Classification Sherloc (09022015). Collection method: clinical testing. Allele origin: germline.
Comment: This sequence change creates a premature translational stop signal (p.Glu29877*) in the TTN gene. While this is not anticipated to result in nonsense mediated decay, it is expected to create a truncated TTN protein. This variant is not present in population databases (gnomAD no frequency). This variant has not been reported in the literature in individuals affected with TTN-related conditions. This variant is located in the A band of TTN (PMID: 25589632). Truncating variants in this region are significantly overrepresented in patients affected with dilated cardiomyopathy (PMID: 25589632). Truncating variants in this region have also been reported in individuals affected with autosomal recessive centronuclear myopathy (PMID: 23975875). In summary, the currently available evidence indicates that the variant is pathogenic, but additional data are needed to prove that conclusively. Therefore, this variant has been classified as Likely Pathogenic.

Literature cited by the submitters: PubMed 25589632; PubMed 23975875.